The following is an entry in ClinVar:

NM_001256470.2(PLEKHA5):c.2893C>T (p.His965Tyr)

Gene: PLEKHA5 (pleckstrin homology domain containing A5; plus strand). Cytogenetic location: 12p12.3.
Variant type: single nucleotide variant.
Coding change: c.2893C>T on transcript NM_001256470.2 (MANE Select); coding-DNA position 2893, C replaced by T.
Protein change: p.His965Tyr; replaces histidine 965 with tyrosine.
Molecular consequence: missense variant. On other transcripts: non-coding transcript variant (3), intron variant (41).
Genome position (GRCh38, 1-based): chr12:19,347,177, C>T. VCF-style: chr12-19347177-C-T. GRCh37 (hg19) VCF-style: chr12-19500111-C-T.
Other names: c.2341C>T, p.His781Tyr (NM_001256787.2); c.2875C>T, p.His959Tyr (NM_001385923.1); c.2857C>T, p.His953Tyr (NM_001385924.1); c.2839C>T, p.His947Tyr (NM_001385925.1); c.2893C>T, p.His965Tyr (NM_001385926.1); c.2773C>T, p.His925Tyr (NM_001385927.1); c.2725C>T, p.His909Tyr (NM_001385928.1); c.2584C>T, p.His862Tyr (NM_001385932.1); and 31 more; short protein forms H754Y, H772Y, H781Y, H793Y, H839Y, H857Y, H862Y, H909Y.
Identifiers: ClinVar variation 3057812 (VCV003057812.2), dbSNP rs200349314, ClinGen allele CA6472720.

ClinVar aggregate classification (germline): Benign (0 of 4 stars; one submission).

Conditions:
PLEKHA5-related disorder. Also called: PLEKHA5-related condition.

Allele frequency attached by ClinVar (database versions not stated): ExAC 0.00185; 1000 Genomes Project 30x 0.00078; TOPMed 0.00104; gnomAD 0.00210; 1000 Genomes Project 0.00080; ESP Exome Variant Server 0.00110.
gnomAD v4.1: 2,770 of 1,534,860 alleles (0.18%); highest among the groups gnomAD compares: Non-Finnish European, 0.15%; 10 homozygotes.

Submission:

PreventionGenetics, part of Exact Sciences
Classification: Benign for PLEKHA5-related condition. Last evaluated: 2022-02-07. Review status: no assertion criteria provided. Collection method: clinical testing. Allele origin: germline.
Comment: This variant is classified as benign based on ACMG/AMP sequence variant interpretation guidelines (Richards et al. 2015 PMID: 25741868, with internal and published modifications).